The following is an entry in ClinVar:

ClinVar aggregate classification (germline): Uncertain significance. Review status: criteria provided, multiple submitters, no conflicts (2 of 4 stars). 2 submissions from 2 submitters: Uncertain significance (2). Last evaluated 2023-12-20.

Conditions:
Birt-Hogg-Dube syndrome. Also called: Birt Hogg Dubé syndrome. Identifiers: Orphanet 122, MedGen C0346010, MONDO:0800444.
Hereditary cancer-predisposing syndrome. Also called: Neoplastic Syndromes, Hereditary; Hereditary neoplastic syndrome; Hereditary Cancer Syndrome; Tumor predisposition. Identifiers: Orphanet 140162, MedGen C0027672, MeSH D009386, MONDO:0015356.

Submissions (2):

Labcorp Genetics (formerly Invitae), Labcorp
Classification: Uncertain significance for Birt-Hogg-Dube syndrome. Last evaluated: 2023-12-20. Review status: criteria provided, single submitter. Criteria: Invitae Variant Classification Sherloc (09022015). Collection method: clinical testing. Allele origin: germline.
Comment: This sequence change replaces methionine, which is neutral and non-polar, with lysine, which is basic and polar, at codon 177 of the FLCN protein (p.Met177Lys). This variant is not present in population databases (gnomAD no frequency). This variant has not been reported in the literature in individuals affected with FLCN-related conditions. ClinVar contains an entry for this variant (Variation ID: 999185). Advanced modeling of protein sequence and biophysical properties (such as structural, functional, and spatial information, amino acid conservation, physicochemical variation, residue mobility, and thermodynamic stability) performed at Invitae indicates that this missense variant is not expected to disrupt FLCN protein function with a negative predictive value of 80%. In summary, the available evidence is currently insufficient to determine the role of this variant in disease. Therefore, it has been classified as a Variant of Uncertain Significance.

Ambry Genetics
Classification: Uncertain significance for Hereditary cancer-predisposing syndrome. Last evaluated: 2022-04-08. Review status: criteria provided, single submitter. Criteria: Ambry Variant Classification Scheme 2023. Collection method: clinical testing. Allele origin: germline.
Comment: The p.M177K variant (also known as c.530T>A), located in coding exon 3 of the FLCN gene, results from a T to A substitution at nucleotide position 530. The methionine at codon 177 is replaced by lysine, an amino acid with similar properties. This amino acid position is conserved. In addition, this alteration is predicted to be deleterious by in silico analysis. Since supporting evidence is limited at this time, the clinical significance of this alteration remains unclear.

NM_144997.7(FLCN):c.530T>A (p.Met177Lys)

Gene: FLCN (folliculin; minus strand). Cytogenetic location: 17p11.2.
Variant type: single nucleotide variant.
Coding change: c.530T>A on transcript NM_144997.7 (MANE Select); coding-DNA position 530, T replaced by A.
Protein change: p.Met177Lys; replaces methionine 177 with lysine.
Molecular consequence: missense variant.
Genome position (GRCh38, 1-based): chr17:17,224,010, A>T on the plus strand (T>A on the coding strand, the complement: FLCN is on the minus strand). VCF-style: chr17-17224010-A-T. GRCh37 (hg19) VCF-style: chr17-17127324-A-T.
Other names: c.584T>A, p.Met195Lys (NM_001353229.2); c.530T>A, p.Met177Lys (NM_001353230.2, NM_001353231.2, NM_144606.7); short protein forms M177K, M195K.
Identifiers: ClinVar variation 999185 (VCV000999185.7), dbSNP rs2047175841, ClinGen allele CA398534351.